The following is an entry in ClinVar:

ClinVar aggregate classification (germline): Uncertain significance. Review status: criteria provided, multiple submitters, no conflicts (2 of 4 stars). 2 submissions from 2 submitters: Uncertain significance (2). Last evaluated 2026-07-21.

Conditions:
PLXNA1-related disorder. Also called: PLXNA1-related condition.

Allele frequency attached by ClinVar (database versions not stated): gnomAD exomes 0.00003; TOPMed 0.00007; gnomAD 0.00008; ExAC 0.00011; 1000 Genomes Project 30x 0.00062; 1000 Genomes Project 0.00080.
gnomAD v4.1: 58 of 1,588,116 alleles (0.0037%); highest among the groups gnomAD compares: East Asian, 0.073%; no homozygotes.

Submissions (2):

PreventionGenetics, part of Exact Sciences
Classification: Uncertain significance for PLXNA1-related condition. Last evaluated: 2026-07-21. Review status: criteria provided, single submitter. Criteria: ACMG Guidelines, 2015. Collection method: clinical testing. Allele origin: germline.
Comment: The PLXNA1 c.1566G>T variant is predicted to result in the amino acid substitution p.Glu522Asp. To our knowledge, this variant has not been reported in the literature in association with obesity. This variant is reported in 0.086% of alleles in individuals of East Asian descent in gnomAD. Although we suspect that this variant may be benign, at this time, the clinical significance of this variant is uncertain due to the absence of conclusive functional and genetic evidence.

Labcorp Genetics (formerly Invitae), Labcorp
Classification: Uncertain significance. Last evaluated: 2022-09-01. Review status: criteria provided, single submitter. Criteria: Invitae Variant Classification Sherloc (09022015). Collection method: clinical testing. Allele origin: germline.
Comment: This variant has not been reported in the literature in individuals affected with PLXNA1-related conditions. In summary, the available evidence is currently insufficient to determine the role of this variant in disease. Therefore, it has been classified as a Variant of Uncertain Significance. Algorithms developed to predict the effect of missense changes on protein structure and function (SIFT, PolyPhen-2, Align-GVGD) all suggest that this variant is likely to be tolerated. This variant is present in population databases (rs565669266, gnomAD 0.08%). This sequence change replaces glutamic acid, which is acidic and polar, with aspartic acid, which is acidic and polar, at codon 522 of the PLXNA1 protein (p.Glu522Asp).

NM_032242.4(PLXNA1):c.1566G>T (p.Glu522Asp)

Gene: PLXNA1 (plexin A1; plus strand). Cytogenetic location: 3q21.3.
Variant type: single nucleotide variant.
Coding change: c.1566G>T on transcript NM_032242.4 (MANE Select); coding-DNA position 1566, G replaced by T.
Protein change: p.Glu522Asp; replaces glutamic acid 522 with aspartic acid.
Molecular consequence: missense variant.
Genome position (GRCh38, 1-based): chr3:127,004,658, G>T. VCF-style: chr3-127004658-G-T. GRCh37 (hg19) VCF-style: chr3-126723501-G-T.
Other names: c.1566G>T (NM_032242.3); short protein forms E522D.
Identifiers: ClinVar variation 1941632 (VCV001941632.7), dbSNP rs565669266, ClinGen allele CA2593286.